The following is an entry in ClinVar:

NM_001379286.1(ZNF423):c.1083C>T (p.His361=)

Gene: ZNF423 (zinc finger protein 423; minus strand). Cytogenetic location: 16q12.1.
Variant type: single nucleotide variant.
Coding change: c.1083C>T on transcript NM_001379286.1 (MANE Select); coding-DNA position 1083, C replaced by T.
Protein change: p.His361=; no amino-acid change (histidine 361 retained).
Molecular consequence: synonymous variant.
Genome position (GRCh38, 1-based): chr16:49,638,093, G>A on the plus strand (C>T on the coding strand, the complement: ZNF423 is on the minus strand). VCF-style: chr16-49638093-G-A. GRCh37 (hg19) VCF-style: chr16-49672004-G-A.
Other names: c.879C>T, p.His293= (NM_001271620.2); c.708C>T, p.His236= (NM_001330533.2); c.1059C>T, p.His353= (NM_015069.5); c.1059C>T (NM_015069.4).
Identifiers: ClinVar variation 1128286 (VCV001128286.10), dbSNP rs201095265, ClinGen allele CA8046763.

ClinVar aggregate classification (germline): Likely benign. Review status: criteria provided, multiple submitters, no conflicts (2 of 4 stars). 2 submissions from 2 submitters: Likely benign (2). Last evaluated 2026-02-19.

Conditions:
ZNF423-related disorder. Also called: ZNF423-related condition.
Nephronophthisis 14 (NPHP14). Identifiers: Orphanet 2318, MedGen C3539071, MONDO:0013916, OMIM 614844.

Allele frequency attached by ClinVar (database versions not stated): ExAC 0.00004; 1000 Genomes Project 30x 0.00016; 1000 Genomes Project 0.00020.
gnomAD v4.1: 8 of 1,613,848 alleles (0.0005%); highest among the groups gnomAD compares: East Asian, 0.011%; no homozygotes.

Submissions (2):

PreventionGenetics, part of Exact Sciences
Classification: Likely benign for ZNF423-related condition. Last evaluated: 2026-02-19. Review status: criteria provided, single submitter. Criteria: ACMG Guidelines, 2015. Collection method: clinical testing. Allele origin: germline.
Comment: This variant is classified as likely benign based on ACMG/AMP sequence variant interpretation guidelines (Richards et al. 2015 PMID: 25741868, with internal and published modifications).

Labcorp Genetics (formerly Invitae), Labcorp
Classification: Likely benign for Nephronophthisis 14. Last evaluated: 2023-08-17. Review status: criteria provided, single submitter. Criteria: Invitae Variant Classification Sherloc (09022015). Collection method: clinical testing. Allele origin: germline.